The following is an entry in ClinVar:

NM_002224.4(ITPR3):c.519C>G (p.Asn173Lys)

Gene: ITPR3 (inositol 1,4,5-trisphosphate receptor type 3; plus strand). Cytogenetic location: 6p21.31.
Variant type: single nucleotide variant.
Coding change: c.519C>G on transcript NM_002224.4 (MANE Select); coding-DNA position 519, C replaced by G.
Protein change: p.Asn173Lys; replaces asparagine 173 with lysine.
Molecular consequence: missense variant.
Genome position (GRCh38, 1-based): chr6:33,658,819, C>G. VCF-style: chr6-33658819-C-G. GRCh37 (hg19) VCF-style: chr6-33626596-C-G.
Other names: short protein forms N173K.
Identifiers: ClinVar variation 3907800 (VCV003907800.1).

ClinVar aggregate classification (germline): Uncertain significance (1 of 4 stars; one submission).

gnomAD v4.1: 1 of 1,614,060 alleles (0.000062%); highest among the groups gnomAD compares: Non-Finnish European, 0.000085%; no homozygotes.

Submission:

GeneDx
Classification: Uncertain significance. Last evaluated: 2024-12-26. Review status: criteria provided, single submitter. Criteria: GeneDx Variant Classification Process June 2021. Collection method: clinical testing. Allele origin: germline. Affected: yes.
Comment: Not observed at significant frequency in large population cohorts (gnomAD); In silico analysis indicates that this missense variant does not alter protein structure/function; Has not been previously published as pathogenic or benign to our knowledge